The following is an entry in ClinVar:

ClinVar aggregate classification (germline): Pathogenic. Review status: criteria provided, multiple submitters, no conflicts (2 of 4 stars). 8 submissions from 8 submitters: Pathogenic (7). 1 of the submissions does not count toward it. Last evaluated 2025-07-02.

Conditions:
Hereditary cancer-predisposing syndrome. Also called: Tumor predisposition; Hereditary neoplastic syndrome; Neoplastic Syndromes, Hereditary; Hereditary Cancer Syndrome. Identifiers: Orphanet 140162, MedGen C0027672, MeSH D009386, MONDO:0015356.
Familial cancer of breast. Also called: BREAST CANCER, FAMILIAL; hereditary breast carcinoma; Hereditary breast cancer. Identifiers: Orphanet 227535, MedGen C0346153, MONDO:0016419, OMIM 114480. Disease mechanism: loss of function.

Allele frequency attached by ClinVar (database versions not stated): gnomAD exomes below 0.00001.

Submissions (8):

Labcorp Genetics (formerly Invitae), Labcorp
Classification: Pathogenic for Familial cancer of breast. Last evaluated: 2025-07-02. Review status: criteria provided, single submitter. Criteria: Invitae Variant Classification Sherloc (09022015). Collection method: clinical testing. Allele origin: germline.
Comment: This sequence change creates a premature translational stop signal (p.Glu669Glyfs*3) in the PALB2 gene. It is expected to result in an absent or disrupted protein product. Loss-of-function variants in PALB2 are known to be pathogenic (PMID: 17200668, 17200671, 17200672, 24136930, 25099575). This variant is not present in population databases (gnomAD no frequency). This premature translational stop signal has been observed in individual(s) with breast, colon and prostate cancer (PMID: 26681312). ClinVar contains an entry for this variant (Variation ID: 134994). For these reasons, this variant has been classified as Pathogenic.

Baylor Genetics
Classification: Pathogenic for Familial cancer of breast. Last evaluated: 2024-02-05. Review status: criteria provided, single submitter. Criteria: ACMG Guidelines, 2015. Collection method: clinical testing. Allele origin: unknown.

Myriad Genetics, Inc.
Classification: Pathogenic for Familial cancer of breast. Last evaluated: 2023-09-12. Review status: criteria provided, single submitter. Criteria: Myriad Autosomal Dominant, Autosomal Recessive and X-Linked Classification Criteria (2023). Collection method: clinical testing. Allele origin: unknown.
Comment: This variant is considered pathogenic. This variant creates a frameshift predicted to result in premature protein truncation.

Ambry Genetics
Classification: Pathogenic for Hereditary cancer-predisposing syndrome. Last evaluated: 2022-12-22. Review status: criteria provided, single submitter. Criteria: Ambry Variant Classification Scheme 2023. Collection method: clinical testing. Allele origin: germline.
Comment: The c.2006delA pathogenic mutation, located in coding exon 5 of the PALB2 gene, results from a deletion of one nucleotide at nucleotide position 2006, causing a translational frameshift with a predicted alternate stop codon (p.E669Gfs*3). This alteration is expected to result in loss of function by premature protein truncation or nonsense-mediated mRNA decay. As such, this alteration is interpreted as a disease-causing mutation.

Quest Diagnostics Nichols Institute San Juan Capistrano
Classification: Pathogenic. Last evaluated: 2020-09-04. Review status: criteria provided, single submitter. Criteria: Quest Diagnostics criteria. Collection method: clinical testing. Allele origin: unknown.
Comment: This frameshift variant causes the premature termination of PALB2 protein synthesis. It has been reported in individuals with breast, colon, and prostate cancer in the published literature (PMID: 26681312 (2015)). Functional studies have shown that this variant causes a strong defect in the homologous recombination repair (PMID: 31757951 (2019)). Therefore, the variant is classified as pathogenic.

Color Diagnostics, LLC DBA Color Health
Classification: Pathogenic for Hereditary cancer-predisposing syndrome. Last evaluated: 2020-01-15. Review status: criteria provided, single submitter. Criteria: ACMG Guidelines, 2015. Collection method: clinical testing. Allele origin: germline.
Comment: This variant deletes 1 nucleotide in exon 5 of the PALB2 gene, creating a frameshift and premature translation stop signal. This variant is expected to result in an absent or non-functional protein product. This variant has been identified in 1/251424 chromosomes in the general population by the Genome Aggregation Database (gnomAD). Loss of PALB2 function is a known mechanism of disease. Based on the available evidence, this variant is classified as Pathogenic.

GeneDx
Classification: Pathogenic. Last evaluated: 2019-11-15. Review status: criteria provided, single submitter. Criteria: GeneDx Variant Classification Process June 2021. Collection method: clinical testing. Allele origin: germline. Affected: yes.
Comment: Frameshift variant predicted to result in protein truncation or nonsense mediated decay in a gene for which loss-of-function is a known mechanism of disease; Not observed at a significant frequency in large population cohorts (Lek 2016); This variant is associated with the following publications: (PMID: 26681312, 30128536, 24728327, 31757951)

ITMI
No classification provided. Condition: AllHighlyPenetrant. Last evaluated: 2013-09-19. Review status: no classification provided. Collection method: reference population. Allele origin: germline. Not counted in ClinVar's aggregate classification.
Comment: Please see associated publication for description of ethnicities

Literature cited by the submitters: PubMed 17200668 (cited by Labcorp Genetics (formerly Invitae), Labcorp); PubMed 17200671 (cited by Labcorp Genetics (formerly Invitae), Labcorp); PubMed 17200672 (cited by Labcorp Genetics (formerly Invitae), Labcorp); PubMed 24136930 (cited by Labcorp Genetics (formerly Invitae), Labcorp); PubMed 25099575 (cited by Labcorp Genetics (formerly Invitae), Labcorp); PubMed 26681312 (cited by Labcorp Genetics (formerly Invitae), Labcorp and Quest Diagnostics Nichols Institute San Juan Capistrano); PubMed 24728327 (cited by Quest Diagnostics Nichols Institute San Juan Capistrano and ITMI); PubMed 31757951 (cited by Quest Diagnostics Nichols Institute San Juan Capistrano).

NM_024675.4(PALB2):c.2006del (p.Glu669fs)

Gene: PALB2 (partner and localizer of BRCA2; minus strand). Cytogenetic location: 16p12.2.
Variant type: Deletion.
Coding change: c.2006del on transcript NM_024675.4 (MANE Select); coding-DNA position 2006, one base deleted (A; older notation c.2006delA).
Protein change: p.Glu669fs; shifts the reading frame from glutamic acid 669.
Molecular consequence: frameshift variant.
Genome position (GRCh38, 1-based): chr16:23,630,148, T deleted on the plus strand (A on the coding strand, the reverse complement: PALB2 is on the minus strand). VCF-style (leftmost placement, unchanged base first): chr16-23630147-CT-C. GRCh37 (hg19) VCF-style: chr16-23641468-CT-C.
Other names: c.2006delA (NM_024675.3); short protein forms E669fs.
Identifiers: ClinVar variation 134994 (VCV000134994.25), dbSNP rs587778584, ClinGen allele CA161342.